The following is an entry in ClinVar:

NM_001365536.1(SCN9A):c.1442A>G (p.Lys481Arg)

Genes: SCN9A (sodium voltage-gated channel alpha subunit 9; minus strand), SCN1A-AS1 (SCN1A and SCN9A antisense RNA 1; plus strand). Cytogenetic location: 2q24.3.
Variant type: single nucleotide variant.
Coding change: c.1442A>G on transcript NM_001365536.1 (MANE Select); coding-DNA position 1442, A replaced by G.
Protein change: p.Lys481Arg; replaces lysine 481 with arginine.
Molecular consequence: missense variant.
Genome position (GRCh38, 1-based): chr2:166,286,496, T>C on the plus strand (A>G on the coding strand, the complement: SCN9A is on the minus strand). VCF-style: chr2-166286496-T-C. GRCh37 (hg19) VCF-style: chr2-167143006-T-C.
Other names: c.1442A>G, p.Lys481Arg (NM_002977.4); short protein forms K481R.
Identifiers: ClinVar variation 3762569 (VCV003762569.2).

ClinVar aggregate classification (germline): Uncertain significance (1 of 4 stars; one submission).

Conditions:
Neuropathy, hereditary sensory and autonomic, type 2A (HSAN2A). Also called: HSAN IIA; ACROOSTEOLYSIS, GIACCAI TYPE; ACROOSTEOLYSIS, NEUROGENIC; MORVAN DISEASE; NEUROPATHY, CONGENITAL SENSORY; NEUROPATHY, HEREDITARY SENSORY RADICULAR, AUTOSOMAL RECESSIVE. Identifiers: Orphanet 970, MedGen C2752089, MONDO:0024309, OMIM 201300.
Generalized epilepsy with febrile seizures plus, type 7 (GEFSP7). Also called: GEFS+, TYPE 7. Identifiers: Orphanet 36387, MedGen C2751778, MONDO:0013470, OMIM 613863.

gnomAD v4.1: 9 of 1,613,664 alleles (0.00056%); highest among the groups gnomAD compares: Non-Finnish European, 0.00076%; no homozygotes.

Submission:

Labcorp Genetics (formerly Invitae), Labcorp
Classification: Uncertain significance for Neuropathy, hereditary sensory and autonomic, type 2A; Generalized epilepsy with febrile seizures plus, type 7. Last evaluated: 2024-02-06. Review status: criteria provided, single submitter. Criteria: Invitae Variant Classification Sherloc (09022015). Collection method: clinical testing. Allele origin: germline.
Comment: This sequence change replaces lysine, which is basic and polar, with arginine, which is basic and polar, at codon 481 of the SCN9A protein (p.Lys481Arg). This variant is not present in population databases (gnomAD no frequency). This variant has not been reported in the literature in individuals affected with SCN9A-related conditions. Advanced modeling of protein sequence and biophysical properties (such as structural, functional, and spatial information, amino acid conservation, physicochemical variation, residue mobility, and thermodynamic stability) performed at Invitae indicates that this missense variant is not expected to disrupt SCN9A protein function with a negative predictive value of 95%. In summary, the available evidence is currently insufficient to determine the role of this variant in disease. Therefore, it has been classified as a Variant of Uncertain Significance.